The following is an entry in ClinVar:

ClinVar aggregate classification (germline): Uncertain significance (1 of 4 stars; one submission).

Submission:

Labcorp Genetics (formerly Invitae), Labcorp
Classification: Uncertain significance. Last evaluated: 2023-03-14. Review status: criteria provided, single submitter. Criteria: Invitae Variant Classification Sherloc (09022015). Collection method: clinical testing. Allele origin: unknown.
Comment: In summary, the available evidence is currently insufficient to determine the role of this variant in disease. Therefore, it has been classified as a Variant of Uncertain Significance. Experimental studies and prediction algorithms are not available or were not evaluated, and the functional significance of this variant is currently unknown. This variant has not been reported in the literature in individuals affected with GATA5-related conditions. This variant results in a copy number gain of the genomic region encompassing exon(s) 4-7 of the GATA5 gene. This region includes the termination codon of the gene. This copy number gain extends beyond the assayed region for this gene and therefore may encompass additional genes. As the precise location of this event is unknown, it may be in tandem or it may be located elsewhere in the genome.

NC_000020.10:g.(?_61039892)_(61041627_?)dup

Gene: GATA5 (GATA binding protein 5; minus strand). Cytogenetic location: 20q13.33.
Variant type: Duplication.
Identifiers: ClinVar variation 3248360 (VCV003248360.1).